The following is an entry in ClinVar:

NM_004370.6(COL12A1):c.7637C>G (p.Ser2546Cys)

Gene: COL12A1 (collagen type XII alpha 1 chain; minus strand). Cytogenetic location: 6q13.
Variant type: single nucleotide variant.
Coding change: c.7637C>G on transcript NM_004370.6 (MANE Select); coding-DNA position 7637, C replaced by G.
Protein change: p.Ser2546Cys; replaces serine 2546 with cysteine.
Molecular consequence: missense variant.
Genome position (GRCh38, 1-based): chr6:75,115,844, G>C on the plus strand (C>G on the coding strand, the complement: COL12A1 is on the minus strand). VCF-style: chr6-75115844-G-C. GRCh37 (hg19) VCF-style: chr6-75825560-G-C.
Other names: c.7637C>G, p.Ser2546Cys (NM_001424113.1); c.7616C>G, p.Ser2539Cys (NM_001424114.1); c.7364C>G, p.Ser2455Cys (NM_001424115.1); c.4145C>G, p.Ser1382Cys (NM_001424116.1, NM_080645.3); short protein forms S1382C, S2455C, S2539C, S2546C.
Identifiers: ClinVar variation 3750878 (VCV003750878.2).
Genomic context (GRCh38, chr6:75,115,844, plus strand): 5'-GCTGTAGGCTGATTCACAAACGCATTCTTCTGAATCCTGTATGCTGAGTAGCTGGGGAAA[G>C]ACCCTGACTCCAAAGATACTCCTTGTACAGAAGCAAAATTCTTTTCTGTCAGGTTGTATG-3'
Protein context (NP_004361.3, residues 2536-2556): SVQGVSLESG[Ser2546Cys]FPSYSAYRIQ

ClinVar aggregate classification (germline): Uncertain significance (1 of 4 stars; one submission).

Conditions:
Ullrich congenital muscular dystrophy 2 (UCMD2). Identifiers: Orphanet 75840, MedGen C4225314, MONDO:0014654, OMIM 616470.
Bethlem myopathy 2 (BTHLM2). Identifiers: Orphanet 536516, Orphanet 610, MedGen C4225313, MONDO:0034022, OMIM 616471.

Submission:

Labcorp Genetics (formerly Invitae), Labcorp
Classification: Uncertain significance for Bethlem myopathy 2; Ullrich congenital muscular dystrophy 2. Last evaluated: 2024-12-13. Review status: criteria provided, single submitter. Criteria: Invitae Variant Classification Sherloc (09022015). Collection method: clinical testing. Allele origin: germline.
Comment: This sequence change replaces serine, which is neutral and polar, with cysteine, which is neutral and slightly polar, at codon 2546 of the COL12A1 protein (p.Ser2546Cys). This variant is not present in population databases (gnomAD no frequency). This variant has not been reported in the literature in individuals affected with COL12A1-related conditions. Invitae Evidence Modeling of protein sequence and biophysical properties (such as structural, functional, and spatial information, amino acid conservation, physicochemical variation, residue mobility, and thermodynamic stability) has been performed for this missense variant. However, the output from this modeling did not meet the statistical confidence thresholds required to predict the impact of this variant on COL12A1 protein function. In summary, the available evidence is currently insufficient to determine the role of this variant in disease. Therefore, it has been classified as a Variant of Uncertain Significance.